The following is an entry in ClinVar:

ClinVar aggregate classification (germline): Likely benign (1 of 4 stars; one submission).

Allele frequency attached by ClinVar (database versions not stated): gnomAD exomes below 0.00001.
gnomAD v4.1: 8 of 1,597,716 alleles (0.0005%); highest among the groups gnomAD compares: Non-Finnish European, 0.00017%; no homozygotes.

Submission:

CeGaT Center for Human Genetics Tuebingen
Classification: Likely benign. Last evaluated: 2023-08-01. Review status: criteria provided, single submitter. Criteria: CeGaT Center For Human Genetics Tuebingen Variant Classification Criteria Version 2. Collection method: clinical testing. Allele origin: germline. Affected: yes. Observed: 1 variant allele.
Comment: CEP135: BP4, BP7

NM_025009.5(CEP135):c.1680C>T (p.Pro560=)

Gene: CEP135 (centrosomal protein 135; plus strand). Cytogenetic location: 4q12.
Variant type: single nucleotide variant.
Coding change: c.1680C>T on transcript NM_025009.5 (MANE Select); coding-DNA position 1680, C replaced by T.
Protein change: p.Pro560=; no amino-acid change (proline 560 retained).
Molecular consequence: synonymous variant.
Genome position (GRCh38, 1-based): chr4:55,981,280, C>T. VCF-style: chr4-55981280-C-T. GRCh37 (hg19) VCF-style: chr4-56847446-C-T.
Identifiers: ClinVar variation 2654765 (VCV002654765.24), dbSNP rs1361665268, ClinGen allele CA439493407.